The following is an entry in ClinVar:

NM_001042475.3(CEP85L):c.1262A>C (p.Gln421Pro)

Gene: CEP85L (centrosomal protein 85 like; minus strand). Cytogenetic location: 6q22.31.
Variant type: single nucleotide variant.
Coding change: c.1262A>C on transcript NM_001042475.3 (MANE Select); coding-DNA position 1262, A replaced by C.
Protein change: p.Gln421Pro; replaces glutamine 421 with proline.
Molecular consequence: missense variant.
Genome position (GRCh38, 1-based): chr6:118,491,861, T>G on the plus strand (A>C on the coding strand, the complement: CEP85L is on the minus strand). VCF-style: chr6-118491861-T-G. GRCh37 (hg19) VCF-style: chr6-118813024-T-G.
Other names: c.1271A>C, p.Gln424Pro (NM_001178035.2); c.1262A>C, p.Gln421Pro (NM_206921.3); short protein forms Q421P, Q424P.
Identifiers: ClinVar variation 2671640 (VCV002671640.1), dbSNP rs2533917788, ClinGen allele CA365544474.

ClinVar aggregate classification (germline): Uncertain significance (1 of 4 stars; one submission).

Conditions:
Lissencephaly 10. Identifiers: MedGen C5394354, MONDO:0030031, OMIM 618873.

Allele frequency attached by ClinVar (database versions not stated): gnomAD exomes below 0.00001.
gnomAD v4.1: 1 of 1,586,338 alleles (0.000063%); highest among the groups gnomAD compares: South Asian, 0.0012%; no homozygotes.

Submission:

Neuberg Centre For Genomic Medicine, NCGM
Classification: Uncertain significance for Lissencephaly 10. Last evaluated: 2023-02-14. Review status: criteria provided, single submitter. Criteria: ACMG Guidelines, 2015. Collection method: clinical testing. Allele origin: germline. Inheritance: Autosomal dominant inheritance. Affected: yes.
Comment: The missense c.1262A>C(p.Gln421Pro) variant in CEP85L gene has not been reported previously as a pathogenic variant nor as a benign variant, to our knowledge. This variant is novel (not in any individuals) in gnomAD Exomes and 1000 Genomes. The amino acid Gln at position 421 is changed to a Pro changing protein sequence and it might alter its composition and physico-chemical properties. The amino acid change p.Gln421Pro in CEP85L is predicted as conserved by GERP++ and PhyloP across 100 vertebrates. The variant is predicted as damaging by SIFT. For these reasons, this variant has been classified as Uncertain Significance.